The following is an entry in ClinVar:

NM_021922.3(FANCE):c.1331T>C (p.Leu444Pro)

Gene: FANCE (FA complementation group E; plus strand). Cytogenetic location: 6p21.31.
Variant type: single nucleotide variant.
Coding change: c.1331T>C on transcript NM_021922.3 (MANE Select); coding-DNA position 1331, T replaced by C.
Protein change: p.Leu444Pro; replaces leucine 444 with proline.
Molecular consequence: missense variant.
Genome position (GRCh38, 1-based): chr6:35,460,566, T>C. VCF-style: chr6-35460566-T-C. GRCh37 (hg19) VCF-style: chr6-35428343-T-C.
Other names: short protein forms L444P.
Identifiers: ClinVar variation 517206 (VCV000517206.12), dbSNP rs745685973, ClinGen allele CA3771681.

ClinVar aggregate classification (germline): Uncertain significance. Review status: criteria provided, multiple submitters, no conflicts (2 of 4 stars). 2 submissions from 2 submitters: Uncertain significance (2). Last evaluated 2025-07-08.

Conditions:
Fanconi anemia complementation group E (FANCE). Also called: FANCE-Related Fanconi Anemia. Identifiers: Orphanet 84, MedGen C3160739, MONDO:0010953, OMIM 600901.

Allele frequency attached by ClinVar (database versions not stated): ExAC 0.00001; gnomAD 0.00001; gnomAD exomes 0.00001.

Submissions (2):

Labcorp Genetics (formerly Invitae), Labcorp
Classification: Uncertain significance for Fanconi anemia complementation group E. Last evaluated: 2025-07-08. Review status: criteria provided, single submitter. Criteria: Invitae Variant Classification Sherloc (09022015). Collection method: clinical testing. Allele origin: germline.
Comment: This sequence change replaces leucine, which is neutral and non-polar, with proline, which is neutral and non-polar, at codon 444 of the FANCE protein (p.Leu444Pro). This variant is present in population databases (rs745685973, gnomAD 0.002%). This missense change has been observed in individual(s) with multiple congenital anomalies and hydrocephalus (PMID: 30609409). ClinVar contains an entry for this variant (Variation ID: 517206). Invitae Evidence Modeling of protein sequence and biophysical properties (such as structural, functional, and spatial information, amino acid conservation, physicochemical variation, residue mobility, and thermodynamic stability) indicates that this missense variant is expected to disrupt FANCE protein function with a positive predictive value of 80%. In summary, the available evidence is currently insufficient to determine the role of this variant in disease. Therefore, it has been classified as a Variant of Uncertain Significance.

Laboratory for Molecular Medicine, Mass General Brigham Personalized Medicine
Classification: Uncertain significance. Last evaluated: 2016-12-23. Review status: criteria provided, single submitter. Criteria: LMM Criteria. Collection method: clinical testing. Allele origin: germline. Observed: 2 variant alleles.
Comment: The p.Leu444Pro (NM_021922.2 c.1331T>C) variant in FANCE has not been reported i n the literature. This variant has been identified in 0.001% (1/66670) of Europe an chromosomes by the Exome Aggregation Consortium (ExAC; dbSNP rs745685973). Although this variant has been seen in the general population, its frequency is not high enough to rule out a pathogenic role for Fanconi anemia. Computational prediction tools and conservation analysis suggest that the p.Leu444Pro variant may impact the protein, though this information is not predictive enough to determine pathogenicity. In summary, the clinical sign ificance of the p.Leu444Pro variant is uncertain.

Literature cited by the submitters: PubMed 30609409 (cited by Labcorp Genetics (formerly Invitae), Labcorp).